The following is an entry in ClinVar:

NM_020699.4(GATAD2B):c.106G>A (p.Gly36Arg)

Gene: GATAD2B (GATA zinc finger domain containing 2B; minus strand). Cytogenetic location: 1q21.3.
Variant type: single nucleotide variant.
Coding change: c.106G>A on transcript NM_020699.4 (MANE Select); coding-DNA position 106, G replaced by A.
Protein change: p.Gly36Arg; replaces glycine 36 with arginine.
Molecular consequence: missense variant.
Genome position (GRCh38, 1-based): chr1:153,828,242, C>T on the plus strand (G>A on the coding strand, the complement: GATAD2B is on the minus strand). VCF-style: chr1-153828242-C-T. GRCh37 (hg19) VCF-style: chr1-153800718-C-T.
Other names: short protein forms G36R.
Identifiers: ClinVar variation 2710256 (VCV002710256.3), dbSNP rs2525291852, ClinGen allele CA342541532.

ClinVar aggregate classification (germline): Uncertain significance (1 of 4 stars; one submission).

Submission:

Labcorp Genetics (formerly Invitae), Labcorp
Classification: Uncertain significance. Last evaluated: 2024-01-19. Review status: criteria provided, single submitter. Criteria: Invitae Variant Classification Sherloc (09022015). Collection method: clinical testing. Allele origin: germline.
Comment: This sequence change replaces glycine, which is neutral and non-polar, with arginine, which is basic and polar, at codon 36 of the GATAD2B protein (p.Gly36Arg). This variant is not present in population databases (gnomAD no frequency). This variant has not been reported in the literature in individuals affected with GATAD2B-related conditions. Advanced modeling of protein sequence and biophysical properties (such as structural, functional, and spatial information, amino acid conservation, physicochemical variation, residue mobility, and thermodynamic stability) performed at Invitae indicates that this missense variant is not expected to disrupt GATAD2B protein function with a negative predictive value of 80%. In summary, the available evidence is currently insufficient to determine the role of this variant in disease. Therefore, it has been classified as a Variant of Uncertain Significance.